The following is an entry in ClinVar:

ClinVar aggregate classification (germline): Conflicting classifications of pathogenicity. Review status: criteria provided, conflicting classifications (1 of 4 stars). 2 submissions from 2 submitters: Uncertain significance (1); Likely benign (1). Last evaluated 2025-06-29.

Conditions:
Cardiovascular phenotype. Identifiers: MedGen CN230736.
Duchenne muscular dystrophy (DMD). Also called: MUSCULAR DYSTROPHY, PSEUDOHYPERTROPHIC PROGRESSIVE, DUCHENNE TYPE; Duchenne Muscular Dystrophy (DMD). Identifiers: Orphanet 98896, MedGen C0013264, MONDO:0010679, OMIM 310200.

gnomAD v4.1: 9 of 1,210,801 alleles (0.00074%); highest among the groups gnomAD compares: Non-Finnish European, 0.001%; no homozygotes.

Submissions (2):

Labcorp Genetics (formerly Invitae), Labcorp
Classification: Uncertain significance for Duchenne muscular dystrophy. Last evaluated: 2025-06-29. Review status: criteria provided, single submitter. Criteria: Invitae Variant Classification Sherloc (09022015). Collection method: clinical testing. Allele origin: germline.
Comment: This sequence change replaces asparagine, which is neutral and polar, with serine, which is neutral and polar, at codon 2163 of the DMD protein (p.Asn2163Ser). This variant is present in population databases (no rsID available, gnomAD 0.001%). This variant has not been reported in the literature in individuals affected with DMD-related conditions. ClinVar contains an entry for this variant (Variation ID: 2147093). Invitae Evidence Modeling of protein sequence and biophysical properties (such as structural, functional, and spatial information, amino acid conservation, physicochemical variation, residue mobility, and thermodynamic stability) indicates that this missense variant is not expected to disrupt DMD protein function with a negative predictive value of 95%. In summary, the available evidence is currently insufficient to determine the role of this variant in disease. Therefore, it has been classified as a Variant of Uncertain Significance.

Ambry Genetics
Classification: Likely benign for Cardiovascular phenotype. Last evaluated: 2024-04-04. Review status: criteria provided, single submitter. Criteria: Ambry Variant Classification Scheme 2023. Collection method: clinical testing. Allele origin: germline.

NM_004006.3(DMD):c.6488A>G (p.Asn2163Ser)

Gene: DMD (dystrophin; minus strand). Cytogenetic location: Xp21.1.
Variant type: single nucleotide variant.
Coding change: c.6488A>G on transcript NM_004006.3 (MANE Select); coding-DNA position 6488, A replaced by G.
Protein change: p.Asn2163Ser; replaces asparagine 2163 with serine.
Molecular consequence: missense variant. On other transcripts: 5 prime UTR variant (5).
Genome position (GRCh38, 1-based): chrX:31,968,465, T>C on the plus strand (A>G on the coding strand, the complement: DMD is on the minus strand). VCF-style: chrX-31968465-T-C. GRCh37 (hg19) VCF-style: chrX-31986582-T-C.
Other names: c.6464A>G, p.Asn2155Ser (NM_000109.4); c.6476A>G, p.Asn2159Ser (NM_004009.3); c.6119A>G, p.Asn2040Ser (NM_004010.3); c.2465A>G, p.Asn822Ser (NM_004011.4); c.2456A>G, p.Asn819Ser (NM_004012.4); c.-893A>G (NM_004013.3, NM_004020.4, NM_004021.3 and 2 more transcripts); short protein forms N822S, N2040S, N2159S, N2155S, N2163S, N819S.
Identifiers: ClinVar variation 2147093 (VCV002147093.3), dbSNP rs1446750643, ClinGen allele CA412659737.
Genomic context (GRCh38, chrX:31,968,465, plus strand): 5'-TCCTGTAGAATACTGGCATCTGTTTTTGAGGATTGCTGAATTATTTCTTCCCCAGTTGCA[T>C]TCAATGTTCTGACAACAGTTTGCCGCTGCCCAATGCCATCCTGGAGTTCCTGTAAGATAC-3'
Protein context (NP_003997.2, residues 2153-2173): GQRQTVVRTL[Asn2163Ser]ATGEEIIQQS